The following is an entry in ClinVar:

NM_177438.3(DICER1):c.5021A>G (p.Asn1674Ser)

Gene: DICER1 (dicer 1, ribonuclease III; minus strand). Cytogenetic location: 14q32.13.
Variant type: single nucleotide variant.
Coding change: c.5021A>G on transcript NM_177438.3 (MANE Select); coding-DNA position 5021, A replaced by G.
Protein change: p.Asn1674Ser; replaces asparagine 1674 with serine.
Molecular consequence: missense variant.
Genome position (GRCh38, 1-based): chr14:95,095,899, T>C on the plus strand (A>G on the coding strand, the complement: DICER1 is on the minus strand). VCF-style: chr14-95095899-T-C. GRCh37 (hg19) VCF-style: chr14-95562236-T-C.
Other names: c.5021A>G, p.Asn1674Ser (NM_001195573.1, NM_001271282.3, NM_001291628.2 and 1 more transcripts); short protein forms N1674S.
Identifiers: ClinVar variation 941480 (VCV000941480.14), dbSNP rs1424203615, ClinGen allele CA390866079.

ClinVar aggregate classification (germline): Uncertain significance. Review status: criteria provided, multiple submitters, no conflicts (2 of 4 stars). 2 submissions from 2 submitters: Uncertain significance (2). Last evaluated 2024-10-16.

Conditions:
DICER1-related tumor predisposition. Also called: DICER1 syndrome; DICER1-related pleuropulmonary blastoma cancer predisposition syndrome. Identifiers: Orphanet 284343, MedGen C3839822, MONDO:0100216.
Hereditary cancer-predisposing syndrome. Also called: Tumor predisposition; Hereditary neoplastic syndrome; Neoplastic Syndromes, Hereditary; Hereditary Cancer Syndrome. Identifiers: Orphanet 140162, MedGen C0027672, MeSH D009386, MONDO:0015356.

Submissions (2):

Ambry Genetics
Classification: Uncertain significance for Hereditary cancer-predisposing syndrome. Last evaluated: 2024-10-16. Review status: criteria provided, single submitter. Criteria: Ambry Variant Classification Scheme 2023. Collection method: clinical testing. Allele origin: germline.

Labcorp Genetics (formerly Invitae), Labcorp
Classification: Uncertain significance for DICER1-related tumor predisposition. Last evaluated: 2022-01-08. Review status: criteria provided, single submitter. Criteria: Invitae Variant Classification Sherloc (09022015). Collection method: clinical testing. Allele origin: germline.
Comment: In summary, the available evidence is currently insufficient to determine the role of this variant in disease. Therefore, it has been classified as a Variant of Uncertain Significance. Algorithms developed to predict the effect of missense changes on protein structure and function (SIFT, PolyPhen-2, Align-GVGD) all suggest that this variant is likely to be tolerated. ClinVar contains an entry for this variant (Variation ID: 941480). This variant has not been reported in the literature in individuals affected with DICER1-related conditions. This variant is not present in population databases (gnomAD no frequency). This sequence change replaces asparagine, which is neutral and polar, with serine, which is neutral and polar, at codon 1674 of the DICER1 protein (p.Asn1674Ser).